The following is an entry in ClinVar:

NM_000501.4(ELN):c.450C>A (p.Tyr150Ter)

Gene: ELN (elastin; plus strand). Cytogenetic location: 7q11.23.
Variant type: single nucleotide variant.
Coding change: c.450C>A on transcript NM_000501.4 (MANE Select); coding-DNA position 450, C replaced by A.
Protein change: p.Tyr150Ter; replaces tyrosine 150 with a stop codon.
Molecular consequence: nonsense.
Genome position (GRCh38, 1-based): chr7:74,043,901, C>A. VCF-style: chr7-74043901-C-A. GRCh37 (hg19) VCF-style: chr7-73458231-C-A.
Other names: c.420C>A, p.Tyr140Ter (NM_001081752.3, NM_001278917.2, NM_001278918.2); c.465C>A, p.Tyr155Ter (NM_001081753.3, NM_001081754.3); c.450C>A, p.Tyr150Ter (NM_001081755.3, NM_001278912.2, NM_001278915.2 and 2 more transcripts); c.414C>A, p.Tyr138Ter (NM_001278913.2); c.435C>A, p.Tyr145Ter (NM_001278914.2); short protein forms Y150*, Y138*, Y145*, Y155*, Y140*.
Identifiers: ClinVar variation 265394 (VCV000265394.5), dbSNP rs137854454, ClinGen allele CA10588434.

ClinVar aggregate classification (germline): Pathogenic. Review status: criteria provided, multiple submitters, no conflicts (2 of 4 stars). 2 submissions from 2 submitters: Pathogenic (2). Last evaluated 2025-06-29.

Conditions:
Supravalvar aortic stenosis (SVAS). Also called: Supravalvar aortic stenosis, Eisenberg type. Identifiers: Orphanet 3193, MedGen C0003499, MONDO:0008504, OMIM 185500, HP:0004381.

Submissions (2):

Labcorp Genetics (formerly Invitae), Labcorp
Classification: Pathogenic for Supravalvar aortic stenosis. Last evaluated: 2025-06-29. Review status: criteria provided, single submitter. Criteria: Invitae Variant Classification Sherloc (09022015). Collection method: clinical testing. Allele origin: germline.
Comment: This sequence change creates a premature translational stop signal (p.Tyr150*) in the ELN gene. It is expected to result in an absent or disrupted protein product. Loss-of-function variants in ELN are known to be pathogenic (PMID: 11175284). This variant is not present in population databases (gnomAD no frequency). This premature translational stop signal has been observed in individual(s) with supravalvular aortic stenosis (PMID: 11175284). ClinVar contains an entry for this variant (Variation ID: 265394). For these reasons, this variant has been classified as Pathogenic.

GeneDx
Classification: Pathogenic. Last evaluated: 2016-08-17. Review status: criteria provided, single submitter. Criteria: GeneDx Variant Classification (06012015). Collection method: clinical testing. Allele origin: germline. Affected: yes.
Comment: This variant is predicted to cause loss of normal protein function either through protein truncation or nonsense-mediated mRNA decay. The Y150X variant was not observed in approximately 6500 individuals of European and African American ancestry in the NHLBI Exome Sequencing Project, indicating it is not a common benign variant in these populations. We interpret Y150X as a pathogenic variant.

Literature cited by the submitters: PubMed 11175284 (cited by Labcorp Genetics (formerly Invitae), Labcorp).